The following is an entry in ClinVar:

NM_000140.5(FECH):c.874G>T (p.Glu292Ter)

Gene: FECH (ferrochelatase; minus strand). Cytogenetic location: 18q21.31.
Variant type: single nucleotide variant.
Coding change: c.874G>T on transcript NM_000140.5 (MANE Select); coding-DNA position 874, G replaced by T.
Protein change: p.Glu292Ter; replaces glutamic acid 292 with a stop codon.
Molecular consequence: nonsense.
Genome position (GRCh38, 1-based): chr18:57,554,883, C>A on the plus strand (G>T on the coding strand, the complement: FECH is on the minus strand). VCF-style: chr18-57554883-C-A. GRCh37 (hg19) VCF-style: chr18-55222115-C-A.
Other names: c.892G>T, p.Glu298Ter (NM_001012515.4); c.775G>T, p.Glu259Ter (NM_001371094.1); c.658G>T, p.Glu220Ter (NM_001371095.1); c.874G>T, p.Glu292Ter (NM_001374778.1); short protein forms E220*, E292*, E259*, E298*.
Identifiers: ClinVar variation 3723156 (VCV003723156.2).
Genomic context (GRCh38, chr18:57,554,883, plus strand): 5'-CGCCAGTGTGGAAGCCACTTACCTTGGATTGCCACACCAGTCGGTAGGGGTTGCAGTACT[C>A]CAGCCTTTCCATGACTTTTTGGACAGTGGCGCTTACCTCCTGAGGATATGGGTCGCCTCT-3'

ClinVar aggregate classification (germline): Pathogenic (1 of 4 stars; one submission).

Submission:

Labcorp Genetics (formerly Invitae), Labcorp
Classification: Pathogenic. Last evaluated: 2024-06-13. Review status: criteria provided, single submitter. Criteria: Invitae Variant Classification Sherloc (09022015). Collection method: clinical testing. Allele origin: germline.
Comment: This sequence change creates a premature translational stop signal (p.Glu292*) in the FECH gene. It is expected to result in an absent or disrupted protein product. Loss-of-function variants in FECH are known to be pathogenic (PMID: 20105171, 23016163, 23364466). This variant is not present in population databases (gnomAD no frequency). This premature translational stop signal has been observed in individual(s) with erythropoietic protoporphyria (PMID: 23364466). For these reasons, this variant has been classified as Pathogenic.

Literature cited by the submitters: PubMed 20105171; PubMed 23016163; PubMed 23364466.